The following is an entry in ClinVar:

NM_004656.4(BAP1):c.1293T>C (p.Gly431=)

Gene: BAP1 (BRCA1 associated deubiquitinase 1; minus strand). Cytogenetic location: 3p21.1.
Variant type: single nucleotide variant.
Coding change: c.1293T>C on transcript NM_004656.4 (MANE Select); coding-DNA position 1293, T replaced by C.
Protein change: p.Gly431=; no amino-acid change (glycine 431 retained).
Molecular consequence: synonymous variant.
Genome position (GRCh38, 1-based): chr3:52,403,852, A>G on the plus strand (T>C on the coding strand, the complement: BAP1 is on the minus strand). VCF-style: chr3-52403852-A-G. GRCh37 (hg19) VCF-style: chr3-52437868-A-G.
Other names: c.1239T>C, p.Gly413= (NM_001410772.1).
Identifiers: ClinVar variation 3379203 (VCV003379203.1).

ClinVar aggregate classification (germline): Benign (1 of 4 stars; one submission).

Conditions:
BAP1-related tumor predisposition syndrome (TPDS1). Also called: BAP1 tumor predisposition syndrome; Tumor susceptibility linked to germline BAP1 mutations; COMMON Syndrome; TUMOR PREDISPOSITION SYNDROME 1. Identifiers: Orphanet 289539, MedGen C3280492, MONDO:0013692, OMIM 614327.

Submission:

Myriad Genetics, Inc.
Classification: Benign for BAP1-related tumor predisposition syndrome. Last evaluated: 2024-07-16. Review status: criteria provided, single submitter. Criteria: Myriad Autosomal Dominant, Autosomal Recessive and X-Linked Classification Criteria (2023). Collection method: clinical testing. Allele origin: unknown.
Comment: This variant is considered benign. This variant is a silent/synonymous amino acid change and it is not expected to impact splicing.